The following is an entry in ClinVar:

NM_016247.4(IMPG2):c.3712G>C (p.Val1238Leu)

Gene: IMPG2 (interphotoreceptor matrix proteoglycan 2; minus strand). Cytogenetic location: 3q12.3.
Variant type: single nucleotide variant.
Coding change: c.3712G>C on transcript NM_016247.4 (MANE Select); coding-DNA position 3712, G replaced by C.
Protein change: p.Val1238Leu; replaces valine 1238 with leucine.
Molecular consequence: missense variant.
Genome position (GRCh38, 1-based): chr3:101,228,798, C>G on the plus strand (G>C on the coding strand, the complement: IMPG2 is on the minus strand). VCF-style: chr3-101228798-C-G. GRCh37 (hg19) VCF-style: chr3-100947642-C-G.
Other names: short protein forms V1238L.
Identifiers: ClinVar variation 1385804 (VCV001385804.6), dbSNP rs1706250526, ClinGen allele CA353846293.

ClinVar aggregate classification (germline): Uncertain significance (1 of 4 stars; one submission).

Allele frequency attached by ClinVar (database versions not stated): TOPMed below 0.00001.
gnomAD v4.1: 1 of 1,613,406 alleles (0.000062%); highest among the groups gnomAD compares: Non-Finnish European, 0.000085%; no homozygotes.

Submission:

Labcorp Genetics (formerly Invitae), Labcorp
Classification: Uncertain significance. Last evaluated: 2025-04-21. Review status: criteria provided, single submitter. Criteria: Invitae Variant Classification Sherloc (09022015). Collection method: clinical testing. Allele origin: germline.
Comment: This sequence change replaces valine, which is neutral and non-polar, with leucine, which is neutral and non-polar, at codon 1238 of the IMPG2 protein (p.Val1238Leu). This variant is not present in population databases (gnomAD no frequency). This variant has not been reported in the literature in individuals affected with IMPG2-related conditions. ClinVar contains an entry for this variant (Variation ID: 1385804). An algorithm developed to predict the effect of missense changes on protein structure and function (PolyPhen-2) suggests that this variant is likely to be tolerated. In summary, the available evidence is currently insufficient to determine the role of this variant in disease. Therefore, it has been classified as a Variant of Uncertain Significance.